The following is an entry in ClinVar:

NM_001042492.3(NF1):c.3347dup (p.Asp1116fs)

Gene: NF1 (neurofibromin 1; plus strand). Cytogenetic location: 17q11.2.
Variant type: Duplication.
Coding change: c.3347dup on transcript NM_001042492.3 (MANE Select); coding-DNA position 3347, one base duplicated (A; older notation c.3347dupA).
Protein change: p.Asp1116fs; shifts the reading frame from aspartic acid 1116.
Molecular consequence: frameshift variant.
Genome position (GRCh38, 1-based): chr17:31,232,732, A duplicated. VCF-style (leftmost placement, unchanged base first): chr17-31232731-G-GA. GRCh37 (hg19) VCF-style: chr17-29559749-G-GA.
Other names: c.3347dup, p.Asp1116Glufs (NM_000267.4); short protein forms D1116fs.
Identifiers: ClinVar variation 3650986 (VCV003650986.2).
Genomic context (GRCh38, chr17:31,232,731, plus strand): 5'-ATGTAAAGGTCAGTCTTTTTATTTCTCAGATACTTCACATTATTTATGAACCTTTTGAAT[G>GA]ACTGCAGTGAAGTTGAAGATGAAAGTGCGCAAACAGGTGGCAGGAAACGTGGCATGTCTC-3'

ClinVar aggregate classification (germline): Pathogenic (1 of 4 stars; one submission).

Conditions:
Neurofibromatosis, type 1 (NF1). Also called: Peripheral type neurofibromatosis; VON RECKLINGHAUSEN DISEASE; Neurofibromatosis, type I; NEUROFIBROMATOSIS, TYPE I, SOMATIC. Identifiers: Orphanet 636, MedGen C0027831, MONDO:0018975, OMIM 162200. Disease mechanism: loss of function.

Submission:

Labcorp Genetics (formerly Invitae), Labcorp
Classification: Pathogenic for Neurofibromatosis, type 1. Last evaluated: 2024-04-25. Review status: criteria provided, single submitter. Criteria: Invitae Variant Classification Sherloc (09022015). Collection method: clinical testing. Allele origin: germline.
Comment: This sequence change creates a premature translational stop signal (p.Asp1116Glufs*4) in the NF1 gene. It is expected to result in an absent or disrupted protein product. Loss-of-function variants in NF1 are known to be pathogenic (PMID: 10712197, 23913538). This variant is not present in population databases (gnomAD no frequency). This variant has not been reported in the literature in individuals affected with NF1-related conditions. Algorithms developed to predict the effect of sequence changes on RNA splicing suggest that this variant may disrupt the consensus splice site. For these reasons, this variant has been classified as Pathogenic.

Literature cited by the submitters: PubMed 10712197; PubMed 23913538.